The following is an entry in ClinVar:

NM_013382.7(POMT2):c.1418G>A (p.Arg473Gln)

Gene: POMT2 (protein O-mannosyltransferase 2; minus strand). Cytogenetic location: 14q24.3.
Variant type: single nucleotide variant.
Coding change: c.1418G>A on transcript NM_013382.7 (MANE Select); coding-DNA position 1418, G replaced by A.
Protein change: p.Arg473Gln; replaces arginine 473 with glutamine.
Molecular consequence: missense variant.
Genome position (GRCh38, 1-based): chr14:77,285,547, C>T on the plus strand (G>A on the coding strand, the complement: POMT2 is on the minus strand). VCF-style: chr14-77285547-C-T. GRCh37 (hg19) VCF-style: chr14-77751890-C-T.
Other names: p.Arg473Gln; c.1418G>A (NM_013382.5); short protein forms R473Q.
Identifiers: ClinVar variation 1395492 (VCV001395492.7), dbSNP rs1279458453, ClinGen allele CA390517433.

ClinVar aggregate classification (germline): Uncertain significance. Review status: criteria provided, multiple submitters, no conflicts (2 of 4 stars). 2 submissions from 2 submitters: Uncertain significance (2). Last evaluated 2025-07-14.

Conditions:
Muscular dystrophy-dystroglycanopathy (congenital with brain and eye anomalies), type A2. Also called: MUSCULAR DYSTROPHY-DYSTROGLYCANOPATHY (CONGENITAL WITH BRAIN AND EYE ANOMALIES), TYPE A, 2; WALKER-WARBURG SYNDROME OR MUSCLE-EYE-BRAIN DISEASE, POMT2-RELATED. Identifiers: Orphanet 588, Orphanet 899, MedGen C3150411, MONDO:0013154, OMIM 613150.
Autosomal recessive limb-girdle muscular dystrophy type 2N. Also called: MUSCULAR DYSTROPHY-DYSTROGLYCANOPATHY, LIMB-GIRDLE, POMT2-RELATED; Muscular dystrophy-dystroglycanopathy (limb-girdle), type C, 2. Identifiers: Orphanet 206559, MedGen C3150418, MONDO:0013162, OMIM 613158.
Muscular dystrophy-dystroglycanopathy (congenital with impaired intellectual development), type B, 2. Also called: MUSCULAR DYSTROPHY, CONGENITAL, POMT2-RELATED; Muscular dystrophy-dystroglycanopathy (congenital with intellectual disability), type B2. Identifiers: MedGen C3150416, MONDO:0013160, OMIM 613156.

Allele frequency attached by ClinVar (database versions not stated): gnomAD 0.00001; gnomAD exomes 0.00001.
gnomAD v4.1: 11 of 1,614,008 alleles (0.00068%); highest among the groups gnomAD compares: Admixed American, 0.0033%; no homozygotes.

Submissions (2):

Labcorp Genetics (formerly Invitae), Labcorp
Classification: Uncertain significance for Muscular dystrophy-dystroglycanopathy (congenital with impaired intellectual development), type B, 2; Muscular dystrophy-dystroglycanopathy (congenital with brain and eye anomalies), type A2; Autosomal recessive limb-girdle muscular dystrophy type 2N. Last evaluated: 2025-07-14. Review status: criteria provided, single submitter. Criteria: Invitae Variant Classification Sherloc (09022015). Collection method: clinical testing. Allele origin: germline.
Comment: This sequence change replaces arginine, which is basic and polar, with glutamine, which is neutral and polar, at codon 473 of the POMT2 protein (p.Arg473Gln). This variant is present in population databases (no rsID available, gnomAD 0.003%). This variant has not been reported in the literature in individuals affected with POMT2-related conditions. ClinVar contains an entry for this variant (Variation ID: 1395492). Invitae Evidence Modeling of protein sequence and biophysical properties (such as structural, functional, and spatial information, amino acid conservation, physicochemical variation, residue mobility, and thermodynamic stability) indicates that this missense variant is not expected to disrupt POMT2 protein function with a negative predictive value of 95%. In summary, the available evidence is currently insufficient to determine the role of this variant in disease. Therefore, it has been classified as a Variant of Uncertain Significance.

Mayo Clinic Laboratories, Mayo Clinic
Classification: Uncertain significance. Last evaluated: 2022-06-08. Review status: criteria provided, single submitter. Criteria: ACMG Guidelines, 2015. Collection method: clinical testing. Allele origin: germline. Observed: 1 variant allele.
Comment: BP4, BP5, PM2